The following is an entry in ClinVar:

NM_000059.4(BRCA2):c.7721G>A (p.Trp2574Ter)

Gene: BRCA2 (BRCA2 DNA repair associated; plus strand). Cytogenetic location: 13q13.1.
Variant type: single nucleotide variant.
Coding change: c.7721G>A on transcript NM_000059.4 (MANE Select); coding-DNA position 7721, G replaced by A.
Protein change: p.Trp2574Ter; replaces tryptophan 2574 with a stop codon.
Molecular consequence: nonsense.
Genome position (GRCh38, 1-based): chr13:32,357,845, G>A. VCF-style: chr13-32357845-G-A. GRCh37 (hg19) VCF-style: chr13-32931982-G-A.
Other names: 7949G>A; short protein forms W2574*.
Identifiers: ClinVar variation 52394 (VCV000052394.23), dbSNP rs80358997, ClinGen allele CA025247.

ClinVar aggregate classification (germline): Pathogenic. Review status: reviewed by expert panel (3 of 4 stars). 11 submissions from 11 submitters: Pathogenic (1). 10 of the submissions do not count toward it. Last evaluated 2016-09-08.

Conditions:
Hereditary cancer-predisposing syndrome. Also called: Neoplastic Syndromes, Hereditary; Hereditary Cancer Syndrome; Tumor predisposition; Hereditary neoplastic syndrome. Identifiers: Orphanet 140162, MedGen C0027672, MeSH D009386, MONDO:0015356.
Familial cancer of breast. Also called: hereditary breast carcinoma; Hereditary breast cancer; BREAST CANCER, FAMILIAL. Identifiers: Orphanet 227535, MedGen C0346153, MONDO:0016419, OMIM 114480. Disease mechanism: loss of function.
Breast-ovarian cancer, familial, susceptibility to, 2 (BROVCA2). Also called: BRCA2 Hereditary Breast and Ovarian Cancer. Identifiers: Orphanet 145, MedGen C2675520, MONDO:0012933, OMIM 612555. Disease mechanism: loss of function.
Hereditary breast ovarian cancer syndrome. Also called: BRCA1- and BRCA2-Associated Hereditary Breast and Ovarian Cancer; Hereditary breast and ovarian cancer syndrome; Hereditary breast and ovarian cancer syndrome (HBOC); Hereditary breast and/or ovarian cancer syndrome; Hereditary breast and ovarian cancer; Breast and ovarian cancer. Identifiers: Orphanet 145, MedGen C0677776, MeSH D061325, MONDO:0003582. Disease mechanism: loss of function.

Submissions (11):

Evidence-based Network for the Interpretation of Germline Mutant Alleles (ENIGMA)
Classification: Pathogenic for Breast-ovarian cancer, familial, susceptibility to, 2. Last evaluated: 2016-09-08. Review status: reviewed by expert panel. Criteria: ENIGMA BRCA1/2 Classification Criteria (2015). Collection method: curation. Allele origin: germline.
Comment: Variant allele predicted to encode a truncated non-functional protein.

Labcorp Genetics (formerly Invitae), Labcorp
Classification: Pathogenic for Hereditary breast ovarian cancer syndrome. Last evaluated: 2026-02-02. Review status: criteria provided, single submitter. Criteria: Invitae Variant Classification Sherloc (09022015). Collection method: clinical testing. Allele origin: germline. Not counted in ClinVar's aggregate classification.
Comment: This sequence change creates a premature translational stop signal (p.Trp2574*) in the BRCA2 gene. It is expected to result in an absent or disrupted protein product. Loss-of-function variants in BRCA2 are known to be pathogenic (PMID: 20104584). This variant is not present in population databases (gnomAD no frequency). This variant has not been reported in the literature in individuals affected with BRCA2-related conditions. This variant is also known as c.7949G>A. ClinVar contains an entry for this variant (Variation ID: 52394). For these reasons, this variant has been classified as Pathogenic.

Dasa
Classification: Pathogenic for Breast-ovarian cancer, familial, susceptibility to, 2. Last evaluated: 2025-09-03. Review status: criteria provided, single submitter. Criteria: DASA Assertion Criteria. Collection method: clinical testing. Allele origin: germline. Not counted in ClinVar's aggregate classification.
Comment: NM_000059.4(BRCA2):c.7721G>A (p.Trp2574Ter) introduces a premature termination codon predicted to result in loss of normal protein function. Loss-of-function is an established mechanism of disease for this gene. This variant has been recurrently observed in individuals with Breast-ovarian cancer, familial, susceptibility to, 2 (PMID: 31477031; PMID: 34063308). Based on the available data, this variant is classified as pathogenic.

Ambry Genetics
Classification: Pathogenic for Hereditary cancer-predisposing syndrome. Last evaluated: 2023-06-28. Review status: criteria provided, single submitter. Criteria: Ambry Variant Classification Scheme 2023. Collection method: clinical testing. Allele origin: germline. Not counted in ClinVar's aggregate classification.
Comment: The p.W2574* pathogenic mutation (also known as c.7721G>A), located in coding exon 15 of the BRCA2 gene, results from a G to A substitution at nucleotide position 7721. This changes the amino acid from a tryptophan to a stop codon within coding exon 15. This alteration is expected to result in loss of function by premature protein truncation or nonsense-mediated mRNA decay. As such, this alteration is interpreted as a disease-causing mutation.

Women's Health and Genetics/Laboratory Corporation of America, LabCorp
Classification: Pathogenic for Hereditary breast ovarian cancer syndrome. Last evaluated: 2022-06-20. Review status: criteria provided, single submitter. Criteria: LabCorp Variant Classification Summary - May 2015. Collection method: clinical testing. Allele origin: germline. Not counted in ClinVar's aggregate classification.
Comment: Variant summary: BRCA2 c.7721G>A (p.Trp2574X) results in a premature termination codon, predicted to cause a truncation of the encoded protein or absence of the protein due to nonsense mediated decay, which are commonly known mechanisms for disease. Truncations downstream of this position have been classified as pathogenic by our laboratory. The variant was absent in 251412 control chromosomes. c.7721G>A has been reported in the literature in individuals affected with Hereditary Breast And Ovarian Cancer Syndrome (example, Nguyen-Dumont_2020, Park_2021). These data indicate that the variant is likely to be associated with disease. To our knowledge, no experimental evidence demonstrating an impact on protein function has been reported. Multiple clinical diagnostic laboratories and an expert panel (ENIGMA) have submitted clinical-significance assessments for this variant to ClinVar after 2014 without evidence for independent evaluation. All laboratories classified the variant as pathogenic. Based on the evidence outlined above, the variant was classified as pathogenic.

Baylor Genetics
Classification: Pathogenic for Familial cancer of breast. Last evaluated: 2022-02-05. Review status: criteria provided, single submitter. Criteria: ACMG Guidelines, 2015. Collection method: clinical testing. Allele origin: unknown. Not counted in ClinVar's aggregate classification.

Color Diagnostics, LLC DBA Color Health
Classification: Pathogenic for Hereditary cancer-predisposing syndrome. Last evaluated: 2021-12-21. Review status: criteria provided, single submitter. Criteria: ACMG Guidelines, 2015. Collection method: clinical testing. Allele origin: germline. Not counted in ClinVar's aggregate classification.
Comment: This variant changes 1 nucleotide in exon 16 of the BRCA2 gene, creating a premature translation stop signal. This variant is expected to result in an absent or non-functional protein product. To our knowledge, functional studies have not been reported for this variant. This variant has been detected in individuals affected with breast cancer (PMID: 32772980; Color internal data). This variant has not been identified in the general population by the Genome Aggregation Database (gnomAD). Loss of BRCA2 function is a known mechanism of disease. Based on the available evidence, this variant is classified as Pathogenic.

Department of Pathology and Laboratory Medicine, Sinai Health System
Classification: Pathogenic for Familial cancer of breast; Breast-ovarian cancer, familial, susceptibility to, 2. Last evaluated: 2019-11-20. Review status: criteria provided, single submitter. Criteria: ACMG Guidelines, 2015. Collection method: clinical testing. Allele origin: germline. Affected: yes. Not counted in ClinVar's aggregate classification.

GeneDx
Classification: Pathogenic. Last evaluated: 2018-01-31. Review status: criteria provided, single submitter. Criteria: GeneDx Variant Classification (06012015). Collection method: clinical testing. Allele origin: germline. Affected: yes. Not counted in ClinVar's aggregate classification.
Comment: This variant is denoted BRCA2 c.7721G>A at the cDNA level and p.Trp2574Ter (W2574X) at the protein level. The substitution creates a nonsense variant, which changes a Tryptophan to a premature stop codon (TGG>TAG), and is predicted to cause loss of normal protein function through protein truncation. Although this variant has not, to our knowledge, been reported in the literature, it is considered pathogenic.

Sharing Clinical Reports Project (SCRP)
Classification: Pathogenic for Breast-ovarian cancer, familial 2. Last evaluated: 2009-06-30. Review status: no assertion criteria provided. Collection method: clinical testing. Allele origin: germline. Not counted in ClinVar's aggregate classification.

Breast Cancer Information Core (BIC) (BRCA2)
Classification: Pathogenic for Breast-ovarian cancer, familial 2. Last evaluated: 2001-03-30. Review status: no assertion criteria provided. Collection method: clinical testing. Allele origin: germline. Affected: yes. Observed: 1 variant allele. Not counted in ClinVar's aggregate classification.

Literature cited by the submitters: PubMed 20104584 (cited by Labcorp Genetics (formerly Invitae), Labcorp); PubMed 31477031 (cited by Dasa and Department of Pathology and Laboratory Medicine, Sinai Health System); PubMed 34063308 (cited by Dasa and Women's Health and Genetics/Laboratory Corporation of America, LabCorp); PubMed 32772980 (cited by Women's Health and Genetics/Laboratory Corporation of America, LabCorp and Color Diagnostics, LLC DBA Color Health).